The following is an entry in ClinVar:

NM_177438.3(DICER1):c.3323T>G (p.Ile1108Ser)

Gene: DICER1 (dicer 1, ribonuclease III; minus strand). Cytogenetic location: 14q32.13.
Variant type: single nucleotide variant.
Coding change: c.3323T>G on transcript NM_177438.3 (MANE Select); coding-DNA position 3323, T replaced by G.
Protein change: p.Ile1108Ser; replaces isoleucine 1108 with serine.
Molecular consequence: missense variant.
Genome position (GRCh38, 1-based): chr14:95,104,073, A>C on the plus strand (T>G on the coding strand, the complement: DICER1 is on the minus strand). VCF-style: chr14-95104073-A-C. GRCh37 (hg19) VCF-style: chr14-95570410-A-C.
Other names: c.3323T>G, p.Ile1108Ser (NM_001195573.1, NM_001271282.3, NM_001291628.2 and 1 more transcripts); short protein forms I1108S.
Identifiers: ClinVar variation 1508651 (VCV001508651.7), dbSNP rs2139971077, ClinGen allele CA390875904.

ClinVar aggregate classification (germline): Uncertain significance (1 of 4 stars; one submission).

Conditions:
DICER1-related tumor predisposition. Also called: DICER1 syndrome; DICER1-related pleuropulmonary blastoma cancer predisposition syndrome. Identifiers: Orphanet 284343, MedGen C3839822, MONDO:0100216.

Submission:

Labcorp Genetics (formerly Invitae), Labcorp
Classification: Uncertain significance for DICER1-related tumor predisposition. Last evaluated: 2021-07-29. Review status: criteria provided, single submitter. Criteria: Invitae Variant Classification Sherloc (09022015). Collection method: clinical testing. Allele origin: germline.
Comment: In summary, the available evidence is currently insufficient to determine the role of this variant in disease. Therefore, it has been classified as a Variant of Uncertain Significance. Algorithms developed to predict the effect of sequence changes on RNA splicing suggest that this variant may create or strengthen a splice site. Algorithms developed to predict the effect of missense changes on protein structure and function (SIFT, PolyPhen-2, Align-GVGD) all suggest that this variant is likely to be tolerated. This variant has not been reported in the literature in individuals affected with DICER1-related conditions. This variant is not present in population databases (ExAC no frequency). This sequence change replaces isoleucine with serine at codon 1108 of the DICER1 protein (p.Ile1108Ser). The isoleucine residue is moderately conserved and there is a large physicochemical difference between isoleucine and serine.